The following is an entry in ClinVar:

ClinVar aggregate classification (germline): Pathogenic (1 of 4 stars; one submission).

Conditions:
Landau-Kleffner syndrome (FESD). Also called: EPILEPSY, FOCAL, WITH SPEECH DISORDER AND WITH OR WITHOUT MENTAL RETARDATION; APHASIA, ACQUIRED, WITH EPILEPSY. Identifiers: Orphanet 1945, Orphanet 725, Orphanet 98818, MedGen C0282512, MONDO:0009509, OMIM 245570.

Submission:

Labcorp Genetics (formerly Invitae), Labcorp
Classification: Pathogenic for Landau-Kleffner syndrome. Last evaluated: 2021-12-02. Review status: criteria provided, single submitter. Criteria: Invitae Variant Classification Sherloc (09022015). Collection method: clinical testing. Allele origin: unknown.
Comment: For these reasons, this variant has been classified as Pathogenic. This variant disrupts a region of the GRIN2A protein in which other variant(s) (p.Trp1271*) have been determined to be pathogenic (PMID: 29961510). This suggests that this is a clinically significant region of the protein, and that variants that disrupt it are likely to be disease-causing. This variant has not been reported in the literature in individuals affected with GRIN2A-related conditions. This variant is a gross deletion of the genomic region encompassing exon(s) 10-14 of the GRIN2A gene, which includes the termination codon. This deletion extends beyond the assayed region for this gene and therefore may encompass additional genes. While this deletion is not anticipated to lead to nonsense mediated decay, it is expected to alter mRNA translation or result in a truncated protein product.

Literature cited by the submitters: PubMed 29961510.

NC_000016.9:g.(?_8829597)_(9923529_?)del

Genes: ABAT (4-aminobutyrate aminotransferase; plus strand), CARHSP1 (calcium regulated heat stable protein 1; minus strand), GRIN2A (glutamate ionotropic receptor NMDA type subunit 2A; minus strand), HAPSTR1 (HUWE1 associated protein modifying stress responses; plus strand), PMM2 (phosphomannomutase 2; plus strand) and 2 more. Cytogenetic location: 16p13.2.
Variant type: Deletion.
Identifiers: ClinVar variation 3243409 (VCV003243409.1).